The following is an entry in ClinVar:

NM_001330260.2(SCN8A):c.3061G>T (p.Ala1021Ser)

Gene: SCN8A (sodium voltage-gated channel alpha subunit 8; plus strand). Cytogenetic location: 12q13.13.
Variant type: single nucleotide variant.
Coding change: c.3061G>T on transcript NM_001330260.2 (MANE Select); coding-DNA position 3061, G replaced by T.
Protein change: p.Ala1021Ser; replaces alanine 1021 with serine.
Molecular consequence: missense variant.
Genome position (GRCh38, 1-based): chr12:51,769,024, G>T. VCF-style: chr12-51769024-G-T. GRCh37 (hg19) VCF-style: chr12-52162808-G-T.
Other names: c.3061G>T, p.Ala1021Ser (NM_001177984.3, NM_001369788.1, NM_014191.4); short protein forms A1021S.
Identifiers: ClinVar variation 641899 (VCV000641899.3), dbSNP rs781237471, ClinGen allele CA384892238.

ClinVar aggregate classification (germline): Uncertain significance (1 of 4 stars; one submission).

Conditions:
Developmental and epileptic encephalopathy. Identifiers: MedGen C5779964, MONDO:0100620.

Submission:

Labcorp Genetics (formerly Invitae), Labcorp
Classification: Uncertain significance for Early infantile epileptic encephalopathy with suppression bursts. Last evaluated: 2019-02-19. Review status: criteria provided, single submitter. Criteria: Invitae Variant Classification Sherloc (09022015). Collection method: clinical testing. Allele origin: germline.
Comment: This sequence change replaces alanine with serine at codon 1021 of the SCN8A protein (p.Ala1021Ser). The alanine residue is moderately conserved and there is a moderate physicochemical difference between alanine and serine. This variant is not present in population databases (ExAC no frequency). This variant has not been reported in the literature in individuals with SCN8A-related disease. Algorithms developed to predict the effect of missense changes on protein structure and function (SIFT, PolyPhen-2, Align-GVGD) all suggest that this variant is likely to be tolerated, but these predictions have not been confirmed by published functional studies and their clinical significance is uncertain. In summary, the available evidence is currently insufficient to determine the role of this variant in disease. Therefore, it has been classified as a Variant of Uncertain Significance.